The following is an entry in ClinVar:

ClinVar aggregate classification (germline): Uncertain significance (1 of 4 stars; one submission).

Conditions:
Sialuria. Also called: SIALURIA, FRENCH TYPE; Sialic Acid Storage Disease. Identifiers: Orphanet 3166, MedGen C0342853, MONDO:0010028, OMIM 269921.
GNE myopathy (NM). Also called: NONAKA DISTAL MYOPATHY; INCLUSION BODY MYOPATHY, HEREDITARY, AUTOSOMAL RECESSIVE; IBM 2; Inclusion body myopathy autosomal recessive; Inclusion body myopathy quadriceps sparing; INCLUSION BODY MYOPATHY 2, AUTOSOMAL RECESSIVE. Identifiers: Orphanet 602, MedGen C1853926, MONDO:0011603, OMIM 605820.

Submission:

Labcorp Genetics (formerly Invitae), Labcorp
Classification: Uncertain significance for Sialuria; GNE myopathy. Last evaluated: 2024-07-22. Review status: criteria provided, single submitter. Criteria: Invitae Variant Classification Sherloc (09022015). Collection method: clinical testing. Allele origin: germline.
Comment: This sequence change replaces lysine, which is basic and polar, with glutamine, which is neutral and polar, at codon 633 of the GNE protein (p.Lys633Gln). This variant is not present in population databases (gnomAD no frequency). This variant has not been reported in the literature in individuals affected with GNE-related conditions. ClinVar contains an entry for this variant (Variation ID: 1387715). Advanced modeling of protein sequence and biophysical properties (such as structural, functional, and spatial information, amino acid conservation, physicochemical variation, residue mobility, and thermodynamic stability) has been performed at Invitae for this missense variant, however the output from this modeling did not meet the statistical confidence thresholds required to predict the impact of this variant on GNE protein function. In summary, the available evidence is currently insufficient to determine the role of this variant in disease. Therefore, it has been classified as a Variant of Uncertain Significance.

NM_005476.7(GNE):c.1804A>C (p.Lys602Gln)

Gene: GNE (glucosamine (UDP-N-acetyl)-2-epimerase/N-acetylmannosamine kinase; minus strand). Cytogenetic location: 9p13.3.
Variant type: single nucleotide variant.
Coding change: c.1804A>C on transcript NM_005476.7 (MANE Select); coding-DNA position 1804, A replaced by C.
Protein change: p.Lys602Gln; replaces lysine 602 with glutamine.
Molecular consequence: missense variant.
Genome position (GRCh38, 1-based): chr9:36,219,850, T>G on the plus strand (A>C on the coding strand, the complement: GNE is on the minus strand). VCF-style: chr9-36219850-T-G. GRCh37 (hg19) VCF-style: chr9-36219847-T-G.
Other names: c.1897A>C, p.Lys633Gln (NM_001128227.3); c.1582A>C, p.Lys528Gln (NM_001190383.3); c.1474A>C, p.Lys492Gln (NM_001190384.3); c.1627A>C, p.Lys543Gln (NM_001190388.2, NM_001374798.1); c.1651A>C, p.Lys551Gln (NM_001374797.1); short protein forms K528Q, K492Q, K543Q, K551Q, K602Q, K633Q.
Identifiers: ClinVar variation 1387715 (VCV001387715.8), dbSNP rs2133006002, ClinGen allele CA373425490.